The following is an entry in ClinVar:

NM_004168.4(SDHA):c.733C>G (p.His245Asp)

Gene: SDHA (succinate dehydrogenase complex flavoprotein subunit A; plus strand). Cytogenetic location: 5p15.33.
Variant type: single nucleotide variant.
Coding change: c.733C>G on transcript NM_004168.4 (MANE Select); coding-DNA position 733, C replaced by G.
Protein change: p.His245Asp; replaces histidine 245 with aspartic acid.
Molecular consequence: missense variant.
Genome position (GRCh38, 1-based): chr5:228,296, C>G. VCF-style: chr5-228296-C-G. GRCh37 (hg19) VCF-style: chr5-228411-C-G.
Other names: c.733C>G (NM_004168.2); c.589C>G, p.His197Asp (NM_001294332.2); c.733C>G, p.His245Asp (NM_001330758.2); short protein forms H245D, H197D.
Identifiers: ClinVar variation 412368 (VCV000412368.12), dbSNP rs1060503716, ClinGen allele CA16611831.
Genomic context (GRCh38, chr5:228,296, plus strand): 5'-CTGATGGAGAATGGGGAGTGCCGTGGTGTCATCGCACTGTGCATAGAGGACGGGTCCATC[C>G]ATCGCATAAGAGCAAAGAACACTGTTGTTGCCACAGGGTAGGAATCTCATTTCTACTTTA-3'
Protein context (NP_004159.2, residues 235-255): IALCIEDGSI[His245Asp]RIRAKNTVVA

ClinVar aggregate classification (germline): Uncertain significance. Review status: criteria provided, multiple submitters, no conflicts (2 of 4 stars). 2 submissions from 2 submitters: Uncertain significance (2). Last evaluated 2025-08-13.

Conditions:
Hereditary cancer-predisposing syndrome. Also called: Neoplastic Syndromes, Hereditary; Hereditary Cancer Syndrome; Tumor predisposition; Hereditary neoplastic syndrome. Identifiers: Orphanet 140162, MedGen C0027672, MeSH D009386, MONDO:0015356.
Mitochondrial complex II deficiency, nuclear type 1. Also called: SUCCINATE CoQ REDUCTASE DEFICIENCY. Identifiers: Orphanet 3208, MedGen C5700310, MONDO:0100294, OMIM 252011.
Pheochromocytoma/paraganglioma syndrome 5. Also called: SDHA-Related Hereditary Paraganglioma-Pheochromocytoma Syndrome; Paragangliomas 5. Identifiers: Orphanet 29072, MedGen C3279992, MONDO:0013602, OMIM 614165.

Allele frequency attached by ClinVar (database versions not stated): gnomAD exomes below 0.00001.
gnomAD v4.1: 1 of 1,613,936 alleles (0.000062%); highest among the groups gnomAD compares: Non-Finnish European, 0.000085%; no homozygotes.

Submissions (2):

Labcorp Genetics (formerly Invitae), Labcorp
Classification: Uncertain significance for Pheochromocytoma/paraganglioma syndrome 5; Mitochondrial complex II deficiency, nuclear type 1. Last evaluated: 2025-08-13. Review status: criteria provided, single submitter. Criteria: Invitae Variant Classification Sherloc (09022015). Collection method: clinical testing. Allele origin: germline.
Comment: This sequence change replaces histidine, which is basic and polar, with aspartic acid, which is acidic and polar, at codon 245 of the SDHA protein (p.His245Asp). This variant is not present in population databases (gnomAD no frequency). This variant has not been reported in the literature in individuals affected with SDHA-related conditions. ClinVar contains an entry for this variant (Variation ID: 412368). Invitae Evidence Modeling of protein sequence and biophysical properties (such as structural, functional, and spatial information, amino acid conservation, physicochemical variation, residue mobility, and thermodynamic stability) has been performed for this missense variant. However, the output from this modeling did not meet the statistical confidence thresholds required to predict the impact of this variant on SDHA protein function. In summary, the available evidence is currently insufficient to determine the role of this variant in disease. Therefore, it has been classified as a Variant of Uncertain Significance.

Ambry Genetics
Classification: Uncertain significance for Hereditary cancer-predisposing syndrome. Last evaluated: 2024-08-14. Review status: criteria provided, single submitter. Criteria: Ambry Variant Classification Scheme 2023. Collection method: clinical testing. Allele origin: germline.
Comment: The p.H245D variant (also known as c.733C>G), located in coding exon 6 of the SDHA gene, results from a C to G substitution at nucleotide position 733. The histidine at codon 245 is replaced by aspartic acid, an amino acid with similar properties. This variant was reported in an individuaL with features consistent with SDHA-related paraganglioma-pheochromocytoma syndrome (Smith JD et al. OTO Open, 2021 Mar;5:2473974X21995453). This amino acid position is highly conserved in available vertebrate species. In addition, this alteration is predicted to be deleterious by in silico analysis. Based on the available evidence, the clinical significance of this variant remains unclear.

Literature cited by the submitters: PubMed 33748650 (cited by Ambry Genetics).